The following is an entry in ClinVar:

NM_000533.5(PLP1):c.696+5G>C

Genes: PLP1 (proteolipid protein 1; plus strand), RAB9B (RAB9B, member RAS oncogene family; minus strand). Cytogenetic location: Xq22.2.
Variant type: single nucleotide variant.
Coding change: c.696+5G>C on transcript NM_000533.5 (MANE Select); 5 bases into the intron after coding-DNA position 696, G replaced by C.
Molecular consequence: intron variant.
Genome position (GRCh38, 1-based): chrX:103,788,515, G>C. VCF-style: chrX-103788515-G-C. GRCh37 (hg19) VCF-style: chrX-103043444-G-C.
Other names: c.696+5G>C (NM_001128834.3); c.591+5G>C (NM_199478.3); c.531+5G>C (NM_001305004.1).
Identifiers: ClinVar variation 4818906 (VCV004818906.1).

ClinVar aggregate classification (germline): Uncertain significance (1 of 4 stars; one submission).

Submission:

GeneDx
Classification: Uncertain significance. Last evaluated: 2025-09-27. Review status: criteria provided, single submitter. Criteria: GeneDx Variant Classification Process June 2021. Collection method: clinical testing. Allele origin: germline. Affected: yes.
Comment: Not observed at significant frequency in large population cohorts (gnomAD); Has not been previously published as pathogenic or benign to our knowledge; In silico analysis is inconclusive as to whether the variant alters gene splicing. In the absence of RNA/functional studies, the actual effect of this sequence change is unknown.